The following is an entry in ClinVar:

ClinVar aggregate classification (germline): Uncertain significance. Review status: criteria provided, multiple submitters, no conflicts (2 of 4 stars). 2 submissions from 2 submitters: Uncertain significance (2). Last evaluated 2025-11-08.

Conditions:
Singleton-Merten syndrome 1 (SGMRT1). Also called: Widened medullary cavities of bone, aortic calcification, abnormal dentition, and muscular weakness; Syndrome of widened medullary cavities of the metacarpals and phalanges, aortic calcification and abnormal dentition. Identifiers: Orphanet 85191, MedGen C4225427, MONDO:0024535, OMIM 182250.
Aicardi-Goutieres syndrome 7 (AGS7). Identifiers: Orphanet 51, MedGen C3888244, MONDO:0014367, OMIM 615846.

Allele frequency attached by ClinVar (database versions not stated): gnomAD exomes below 0.00001; ExAC 0.00001.
gnomAD v4.1: 2 of 1,611,884 alleles (0.00012%); highest among the groups gnomAD compares: East Asian, 0.0045%; no homozygotes.

Submissions (2):

Labcorp Genetics (formerly Invitae), Labcorp
Classification: Uncertain significance for Aicardi-Goutieres syndrome 7; Singleton-Merten syndrome 1. Last evaluated: 2025-11-08. Review status: criteria provided, single submitter. Criteria: Invitae Variant Classification Sherloc (09022015). Collection method: clinical testing. Allele origin: germline.
Comment: This sequence change replaces glutamic acid, which is acidic and polar, with aspartic acid, which is acidic and polar, at codon 451 of the IFIH1 protein (p.Glu451Asp). This variant is present in population databases (rs764763183, gnomAD 0.006%). This variant has not been reported in the literature in individuals affected with IFIH1-related conditions. ClinVar contains an entry for this variant (Variation ID: 1038212). Invitae Evidence Modeling of protein sequence and biophysical properties (such as structural, functional, and spatial information, amino acid conservation, physicochemical variation, residue mobility, and thermodynamic stability) has been performed for this missense variant. However, the output from this modeling did not meet the statistical confidence thresholds required to predict the impact of this variant on IFIH1 protein function. In summary, the available evidence is currently insufficient to determine the role of this variant in disease. Therefore, it has been classified as a Variant of Uncertain Significance.

Blueprint Genetics
Classification: Uncertain significance. Last evaluated: 2024-07-04. Review status: criteria provided, single submitter. Criteria: ACMG Guidelines, 2015. Collection method: clinical testing. Allele origin: germline.

NM_022168.4(IFIH1):c.1353A>C (p.Glu451Asp)

Gene: IFIH1 (interferon induced with helicase C domain 1; minus strand). Cytogenetic location: 2q24.2.
Variant type: single nucleotide variant.
Coding change: c.1353A>C on transcript NM_022168.4 (MANE Select); coding-DNA position 1353, A replaced by C.
Protein change: p.Glu451Asp; replaces glutamic acid 451 with aspartic acid.
Molecular consequence: missense variant.
Genome position (GRCh38, 1-based): chr2:162,281,499, T>G on the plus strand (A>C on the coding strand, the complement: IFIH1 is on the minus strand). VCF-style: chr2-162281499-T-G. GRCh37 (hg19) VCF-style: chr2-163138009-T-G.
Other names: short protein forms E451D.
Identifiers: ClinVar variation 1038212 (VCV001038212.9), dbSNP rs764763183, ClinGen allele CA1934546.